The following is an entry in ClinVar:

NM_004393.6(DAG1):c.686C>T (p.Pro229Leu)

Gene: DAG1 (dystroglycan 1; plus strand). Cytogenetic location: 3p21.31.
Variant type: single nucleotide variant.
Coding change: c.686C>T on transcript NM_004393.6 (MANE Select); coding-DNA position 686, C replaced by T.
Protein change: p.Pro229Leu; replaces proline 229 with leucine.
Molecular consequence: missense variant.
Genome position (GRCh38, 1-based): chr3:49,531,197, C>T. VCF-style: chr3-49531197-C-T. GRCh37 (hg19) VCF-style: chr3-49568630-C-T.
Other names: c.686C>T, p.Pro229Leu (NM_001165928.4, NM_001177634.3, NM_001177635.3 and 9 more transcripts); c.686C>T (NM_004393.5); short protein forms P229L.
Identifiers: ClinVar variation 1988478 (VCV001988478.5), dbSNP rs757598558, ClinGen allele CA352793861.

ClinVar aggregate classification (germline): Uncertain significance. Review status: criteria provided, multiple submitters, no conflicts (2 of 4 stars). 2 submissions from 2 submitters: Uncertain significance (2). Last evaluated 2024-07-21.

Conditions:
Autosomal recessive limb-girdle muscular dystrophy type 2P. Also called: Limb-Girdle Muscular Dystrophy Type 9C; MUSCULAR DYSTROPHY, LIMB-GIRDLE, TYPE 2P; MUSCULAR DYSTROPHY-DYSTROGLYCANOPATHY, LIMB-GIRDLE, DAG1-RELATED. Identifiers: Orphanet 280333, MedGen C4511963, MONDO:0013440, OMIM 613818.
Muscular dystrophy-dystroglycanopathy (congenital with brain and eye anomalies), type A9. Also called: WALKER-WARBURG SYNDROME OR MUSCLE-EYE BRAIN DISEASE, DAG1-RELATED; Muscular dystrophy-dystroglycanopathy (congenital with brain and eye anomalies), type a, 9. Identifiers: Orphanet 370997, Orphanet 899, MedGen C4225291, MONDO:0014683, OMIM 616538.

gnomAD v4.1: 1 of 1,614,088 alleles (0.000062%); highest among the groups gnomAD compares: Non-Finnish European, 0.000085%; no homozygotes.

Submissions (2):

GeneDx
Classification: Uncertain significance. Last evaluated: 2024-07-21. Review status: criteria provided, single submitter. Criteria: GeneDx Variant Classification Process June 2021. Collection method: clinical testing. Allele origin: germline. Affected: yes.
Comment: In silico analysis supports that this missense variant has a deleterious effect on protein structure/function; Not observed at significant frequency in large population cohorts (gnomAD); This variant is associated with the following publications: (PMID: 21388311, 35982159, 33057194)

Labcorp Genetics (formerly Invitae), Labcorp
Classification: Uncertain significance for Autosomal recessive limb-girdle muscular dystrophy type 2P; Muscular dystrophy-dystroglycanopathy (congenital with brain and eye anomalies), type A9. Last evaluated: 2022-04-10. Review status: criteria provided, single submitter. Criteria: Invitae Variant Classification Sherloc (09022015). Collection method: clinical testing. Allele origin: germline.
Comment: In summary, the available evidence is currently insufficient to determine the role of this variant in disease. Therefore, it has been classified as a Variant of Uncertain Significance. Algorithms developed to predict the effect of missense changes on protein structure and function are either unavailable or do not agree on the potential impact of this missense change (SIFT: "Deleterious"; PolyPhen-2: "Probably Damaging"; Align-GVGD: "Class C0"). This variant has not been reported in the literature in individuals affected with DAG1-related conditions. This variant is not present in population databases (gnomAD no frequency). This sequence change replaces proline, which is neutral and non-polar, with leucine, which is neutral and non-polar, at codon 229 of the DAG1 protein (p.Pro229Leu).